The following is an entry in ClinVar:

ClinVar aggregate classification (germline): Uncertain significance (1 of 4 stars; one submission).

Conditions:
BBS2-related disorder. Also called: BBS2-related condition; BBS2-related disorders. Identifiers: MedGen CN239228.

gnomAD v4.1: 2 of 1,614,096 alleles (0.00012%); highest among the groups gnomAD compares: African/African-American, 0.0027%; no homozygotes.

Submission:

PreventionGenetics, part of Exact Sciences
Classification: Uncertain significance for BBS2-related condition. Last evaluated: 2024-11-15. Review status: criteria provided, single submitter. Criteria: ACMG Guidelines, 2015. Collection method: clinical testing. Allele origin: germline.
Comment: The BBS2 c.1080+5G>C variant is predicted to interfere with splicing. To our knowledge, this variant has not been reported in the literature. This variant is reported in 0.011% of alleles in individuals of African descent in gnomAD. At this time, the clinical significance of this variant is uncertain due to the absence of conclusive functional and genetic evidence.

NM_031885.5(BBS2):c.1080+5G>C

Gene: BBS2 (Bardet-Biedl syndrome 2; minus strand). Cytogenetic location: 16q13.
Variant type: single nucleotide variant.
Coding change: c.1080+5G>C on transcript NM_031885.5 (MANE Select); 5 bases into the intron after coding-DNA position 1080, G replaced by C.
Molecular consequence: intron variant.
Genome position (GRCh38, 1-based): chr16:56,502,312, C>G on the plus strand (G>C on the coding strand, the complement: BBS2 is on the minus strand). VCF-style: chr16-56502312-C-G. GRCh37 (hg19) VCF-style: chr16-56536224-C-G.
Other names: c.1080+5G>C (NM_001377456.1).
Identifiers: ClinVar variation 4977958 (VCV004977958.1).